The following is an entry in ClinVar:

NM_024675.4(PALB2):c.757C>T (p.Leu253=)

Gene: PALB2 (partner and localizer of BRCA2; minus strand). Cytogenetic location: 16p12.2.
Variant type: single nucleotide variant.
Coding change: c.757C>T on transcript NM_024675.4 (MANE Select); coding-DNA position 757, C replaced by T.
Protein change: p.Leu253=; no amino-acid change (leucine 253 retained).
Molecular consequence: synonymous variant. On other transcripts: 5 prime UTR variant (8), intron variant (3).
Genome position (GRCh38, 1-based): chr16:23,635,789, G>A on the plus strand (C>T on the coding strand, the complement: PALB2 is on the minus strand). VCF-style: chr16-23635789-G-A. GRCh37 (hg19) VCF-style: chr16-23647110-G-A.
Other names: c.697C>T, p.Leu233= (NM_001407296.1); c.757C>T, p.Leu253= (NM_001407297.1, NM_001407298.1, NM_001407299.1 and 3 more transcripts); c.-129C>T (NM_001407304.1, NM_001407305.1, NM_001407306.1 and 5 more transcripts); c.48+5321C>T (NM_001407314.1); c.-104-5320C>T (NM_001407313.1, NM_001407312.1).
Identifiers: ClinVar variation 3904003 (VCV003904003.1).
Genomic context (GRCh38, chr16:23,635,789, plus strand): 5'-GTTCACTGCTACCTTTAGGAGGAATGTGTTCAAGGTGCTGACTACTACCGCTATCTGATA[G>A]AGTCTGTAAAGGAACTGTAGTCGCCCTGGTGAAATTAGGTCTTCTTAGGAATGTATCAAC-3'
Protein context (NP_078951.2, residues 243-263): TRATTVPLQT[Leu253=]SDSGSSQHLE

ClinVar aggregate classification (germline): Benign (1 of 4 stars; one submission).

Conditions:
Familial cancer of breast. Also called: Hereditary breast cancer; hereditary breast carcinoma; BREAST CANCER, FAMILIAL. Identifiers: Orphanet 227535, MedGen C0346153, MONDO:0016419, OMIM 114480. Disease mechanism: loss of function.

Submission:

Myriad Genetics, Inc.
Classification: Benign for Familial cancer of breast. Last evaluated: 2025-01-10. Review status: criteria provided, single submitter. Criteria: Myriad Autosomal Dominant, Autosomal Recessive and X-Linked Classification Criteria (2023). Collection method: clinical testing. Allele origin: unknown.
Comment: This variant is considered benign. This variant is a silent/synonymous amino acid change and it is not expected to impact splicing.